The following is an entry in ClinVar:

ClinVar aggregate classification (germline): Uncertain significance (1 of 4 stars; one submission).

Conditions:
Werner syndrome (WRN). Identifiers: Orphanet 902, MedGen C0043119, MONDO:0010196, OMIM 277700.

Submission:

Labcorp Genetics (formerly Invitae), Labcorp
Classification: Uncertain significance for Werner syndrome. Last evaluated: 2026-01-19. Review status: criteria provided, single submitter. Criteria: Invitae Variant Classification Sherloc (09022015). Collection method: clinical testing. Allele origin: germline.
Comment: This sequence change replaces arginine, which is basic and polar, with glycine, which is neutral and non-polar, at codon 987 of the WRN protein (p.Arg987Gly). This variant is not present in population databases (gnomAD no frequency). This variant has not been reported in the literature in individuals affected with WRN-related conditions. ClinVar contains an entry for this variant (Variation ID: 965801). An algorithm developed to predict the effect of missense changes on protein structure and function (PolyPhen-2) suggests that this variant is likely to be disruptive. In summary, the available evidence is currently insufficient to determine the role of this variant in disease. Therefore, it has been classified as a Variant of Uncertain Significance.

NM_000553.6(WRN):c.2959C>G (p.Arg987Gly)

Gene: WRN (WRN RecQ like helicase; plus strand). Cytogenetic location: 8p12.
Variant type: single nucleotide variant.
Coding change: c.2959C>G on transcript NM_000553.6 (MANE Select); coding-DNA position 2959, C replaced by G.
Protein change: p.Arg987Gly; replaces arginine 987 with glycine.
Molecular consequence: missense variant.
Genome position (GRCh38, 1-based): chr8:31,132,498, C>G. VCF-style: chr8-31132498-C-G. GRCh37 (hg19) VCF-style: chr8-30990014-C-G.
Other names: short protein forms R987G.
Identifiers: ClinVar variation 965801 (VCV000965801.5), dbSNP rs747319628, ClinGen allele CA370919270.